The following is an entry in ClinVar:

ClinVar aggregate classification (germline): Uncertain significance. Review status: criteria provided, multiple submitters, no conflicts (2 of 4 stars). 2 submissions from 2 submitters: Uncertain significance (2). Last evaluated 2025-10-08.

Allele frequency attached by ClinVar (database versions not stated): TOPMed below 0.00001.
gnomAD v4.1: 56 of 1,559,952 alleles (0.0036%); highest among the groups gnomAD compares: Non-Finnish European, 0.0049%; no homozygotes.

Submissions (2):

Ambry Genetics
Classification: Uncertain significance. Last evaluated: 2025-10-08. Review status: criteria provided, single submitter. Criteria: Ambry Variant Classification Scheme 2023. Collection method: clinical testing. Allele origin: germline.

Labcorp Genetics (formerly Invitae), Labcorp
Classification: Uncertain significance. Last evaluated: 2022-05-03. Review status: criteria provided, single submitter. Criteria: Invitae Variant Classification Sherloc (09022015). Collection method: clinical testing. Allele origin: germline.
Comment: This sequence change replaces cysteine, which is neutral and slightly polar, with arginine, which is basic and polar, at codon 267 of the LRRC56 protein (p.Cys267Arg). In summary, the available evidence is currently insufficient to determine the role of this variant in disease. Therefore, it has been classified as a Variant of Uncertain Significance. Algorithms developed to predict the effect of missense changes on protein structure and function output the following: SIFT: "Tolerated"; PolyPhen-2: "Benign"; Align-GVGD: "Class C0". The arginine amino acid residue is found in multiple mammalian species, which suggests that this missense change does not adversely affect protein function. This variant has not been reported in the literature in individuals affected with LRRC56-related conditions. This variant is present in population databases (rs761208820, gnomAD 0.004%).

NM_198075.4(LRRC56):c.799T>C (p.Cys267Arg)

Gene: LRRC56 (leucine rich repeat containing 56; plus strand). Cytogenetic location: 11p15.5.
Variant type: single nucleotide variant.
Coding change: c.799T>C on transcript NM_198075.4 (MANE Select); coding-DNA position 799, T replaced by C.
Protein change: p.Cys267Arg; replaces cysteine 267 with arginine.
Molecular consequence: missense variant.
Genome position (GRCh38, 1-based): chr11:551,653, T>C. VCF-style: chr11-551653-T-C. GRCh37 (hg19) VCF-style: chr11-551653-T-C.
Other names: c.799T>C (NM_198075.3); short protein forms C267R.
Identifiers: ClinVar variation 2171462 (VCV002171462.6), dbSNP rs761208820, ClinGen allele CA5779837.